The following is an entry in ClinVar:

NM_030957.4(ADAMTS10):c.193C>T (p.Arg65Cys)

Gene: ADAMTS10 (ADAM metallopeptidase with thrombospondin type 1 motif 10; minus strand). Cytogenetic location: 19p13.2.
Variant type: single nucleotide variant.
Coding change: c.193C>T on transcript NM_030957.4 (MANE Select); coding-DNA position 193, C replaced by T.
Protein change: p.Arg65Cys; replaces arginine 65 with cysteine.
Molecular consequence: missense variant.
Genome position (GRCh38, 1-based): chr19:8,605,254, G>A on the plus strand (C>T on the coding strand, the complement: ADAMTS10 is on the minus strand). VCF-style: chr19-8605254-G-A. GRCh37 (hg19) VCF-style: chr19-8670139-G-A.
Other names: short protein forms R65C.
Identifiers: ClinVar variation 1519088 (VCV001519088.3), dbSNP rs1555742316, ClinGen allele CA403757754.
Genomic context (GRCh38, chr19:8,605,254, plus strand): 5'-TGCTGGGCGAGGCCACTTTGTAGAAGAGGCGGGACTCGGCTGTGGCCCCCGTGCCGCGGC[G>A]CTGCCTCCGGGGAGGAGGTGGCGAGAAGGCCAGCAGTGCCCCGTTGTGGTCCACGCGGGT-3'
Protein context (NP_112219.3, residues 55-75): AFSPPPPRRQ[Arg65Cys]RGTGATAESR

ClinVar aggregate classification (germline): Uncertain significance (1 of 4 stars; one submission).

Allele frequency attached by ClinVar (database versions not stated): gnomAD exomes 0.00001; TOPMed 0.00001.
gnomAD v4.1: 8 of 1,612,934 alleles (0.0005%); highest among the groups gnomAD compares: Non-Finnish European, 0.00068%; no homozygotes.

Submission:

Labcorp Genetics (formerly Invitae), Labcorp
Classification: Uncertain significance. Last evaluated: 2021-11-12. Review status: criteria provided, single submitter. Criteria: Invitae Variant Classification Sherloc (09022015). Collection method: clinical testing. Allele origin: germline.
Comment: This sequence change replaces arginine, which is basic and polar, with cysteine, which is neutral and slightly polar, at codon 65 of the ADAMTS10 protein (p.Arg65Cys). This variant is not present in population databases (gnomAD no frequency). This variant has not been reported in the literature in individuals affected with ADAMTS10-related conditions. Algorithms developed to predict the effect of missense changes on protein structure and function (SIFT, PolyPhen-2, Align-GVGD) all suggest that this variant is likely to be disruptive. In summary, the available evidence is currently insufficient to determine the role of this variant in disease. Therefore, it has been classified as a Variant of Uncertain Significance.